The following is an entry in ClinVar:

ClinVar aggregate classification (germline): Uncertain significance (1 of 4 stars; one submission).

Conditions:
X-linked lymphoproliferative disease due to SH2D1A deficiency (XLP1). Also called: SH2D1A-Related Lymphoproliferative Disease, X-Linked; DUNCAN DISEASE; IMMUNODEFICIENCY 5; IMMUNODEFICIENCY, X-LINKED PROGRESSIVE COMBINED VARIABLE; INFECTIOUS MONONUCLEOSIS, SEVERE, SUSCEPTIBILITY TO; EBV infection severe susceptibility to. Identifiers: Orphanet 2442, Orphanet 538931, MedGen C5399825, MONDO:0024551, OMIM 308240.

Submission:

Labcorp Genetics (formerly Invitae), Labcorp
Classification: Uncertain significance for X-linked lymphoproliferative disease due to SH2D1A deficiency. Last evaluated: 2025-10-25. Review status: criteria provided, single submitter. Criteria: Invitae Variant Classification Sherloc (09022015). Collection method: clinical testing. Allele origin: germline.
Comment: This sequence change replaces glutamic acid, which is acidic and polar, with glycine, which is neutral and non-polar, at codon 14 of the SH2D1A protein (p.Glu14Gly). This variant is not present in population databases (gnomAD no frequency). This variant has not been reported in the literature in individuals affected with SH2D1A-related conditions. An algorithm developed to predict the effect of missense changes on protein structure and function (PolyPhen-2) suggests that this variant is likely to be disruptive. In summary, the available evidence is currently insufficient to determine the role of this variant in disease. Therefore, it has been classified as a Variant of Uncertain Significance.

NM_002351.5(SH2D1A):c.41A>G (p.Glu14Gly)

Gene: SH2D1A (SH2 domain containing 1A; plus strand). Cytogenetic location: Xq25.
Variant type: single nucleotide variant.
Coding change: c.41A>G on transcript NM_002351.5 (MANE Select); coding-DNA position 41, A replaced by G.
Protein change: p.Glu14Gly; replaces glutamic acid 14 with glycine.
Molecular consequence: missense variant.
Genome position (GRCh38, 1-based): chrX:124,346,683, A>G. VCF-style: chrX-124346683-A-G. GRCh37 (hg19) VCF-style: chrX-123480533-A-G.
Other names: c.41A>G, p.Glu14Gly (NM_001114937.3); short protein forms E14G.
Identifiers: ClinVar variation 4770679 (VCV004770679.1).
Genomic context (GRCh38, chrX:124,346,683, plus strand): 5'-GCCCAAGAGTCCACCAGGCCATGGACGCAGTGGCTGTGTATCATGGCAAAATCAGCAGGG[A>G]AACCGGCGAGAAGCTCCTGCTTGCCACTGGGCTGGATGGCAGCTATTTGCTGAGGGACAG-3'
Protein context (NP_002342.1, residues 4-24): VAVYHGKISR[Glu14Gly]TGEKLLLATG